The following is an entry in ClinVar:

ClinVar aggregate classification (germline): Likely benign. Review status: criteria provided, multiple submitters, no conflicts (2 of 4 stars). 2 submissions from 2 submitters: Likely benign (2). Last evaluated 2025-04-22.

Conditions:
Dilated cardiomyopathy 1HH (CMD1HH). Identifiers: Orphanet 154, MedGen C3151293, MONDO:0013479, OMIM 613881.
Myofibrillar myopathy 6. Identifiers: Orphanet 199340, MedGen C2751831, MONDO:0013061, OMIM 612954.

Submissions (2):

Labcorp Genetics (formerly Invitae), Labcorp
Classification: Likely benign for Dilated cardiomyopathy 1HH; Myofibrillar myopathy 6. Last evaluated: 2025-04-22. Review status: criteria provided, single submitter. Criteria: Invitae Variant Classification Sherloc (09022015). Collection method: clinical testing. Allele origin: germline.

GeneDx
Classification: Likely benign. Last evaluated: 2018-02-26. Review status: criteria provided, single submitter. Criteria: GeneDx Variant Classification (06012015). Collection method: clinical testing. Allele origin: germline. Affected: yes.
Comment: This variant is considered likely benign or benign based on one or more of the following criteria: it is a conservative change, it occurs at a poorly conserved position in the protein, it is predicted to be benign by multiple in silico algorithms, and/or has population frequency not consistent with disease.

NM_004281.4(BAG3):c.264G>A (p.Gln88=)

Gene: BAG3 (BAG cochaperone 3; plus strand). Cytogenetic location: 10q26.11.
Variant type: single nucleotide variant.
Coding change: c.264G>A on transcript NM_004281.4 (MANE Select); coding-DNA position 264, G replaced by A.
Protein change: p.Gln88=; no amino-acid change (glutamine 88 retained).
Molecular consequence: synonymous variant.
Genome position (GRCh38, 1-based): chr10:119,669,934, G>A. VCF-style: chr10-119669934-G-A. GRCh37 (hg19) VCF-style: chr10-121429446-G-A.
Identifiers: ClinVar variation 515609 (VCV000515609.2), dbSNP rs779686349, ClinGen allele CA471634454.